The following is an entry in ClinVar:

ClinVar aggregate classification (germline): Uncertain significance (1 of 4 stars; one submission).

Conditions:
Primary ciliary dyskinesia. Also called: Ciliary dyskinesia. Identifiers: Orphanet 244, MedGen C0008780, MONDO:0016575, HP:0012265.

Submission:

Labcorp Genetics (formerly Invitae), Labcorp
Classification: Uncertain significance for Primary ciliary dyskinesia. Last evaluated: 2025-06-20. Review status: criteria provided, single submitter. Criteria: Invitae Variant Classification Sherloc (09022015). Collection method: clinical testing. Allele origin: germline.
Comment: This sequence change replaces leucine, which is neutral and non-polar, with arginine, which is basic and polar, at codon 532 of the RPGR protein (p.Leu532Arg). This variant is not present in population databases (gnomAD no frequency). This variant has not been reported in the literature in individuals affected with RPGR-related conditions. ClinVar contains an entry for this variant (Variation ID: 1383950). Invitae Evidence Modeling of protein sequence and biophysical properties (such as structural, functional, and spatial information, amino acid conservation, physicochemical variation, residue mobility, and thermodynamic stability) indicates that this missense variant is not expected to disrupt RPGR protein function with a negative predictive value of 95%. In summary, the available evidence is currently insufficient to determine the role of this variant in disease. Therefore, it has been classified as a Variant of Uncertain Significance.

NM_001034853.2(RPGR):c.1595T>G (p.Leu532Arg)

Gene: RPGR (retinitis pigmentosa GTPase regulator; minus strand). Cytogenetic location: Xp11.4.
Variant type: single nucleotide variant.
Coding change: c.1595T>G on transcript NM_001034853.2 (MANE Select); coding-DNA position 1595, T replaced by G.
Protein change: p.Leu532Arg; replaces leucine 532 with arginine.
Molecular consequence: missense variant. On other transcripts: non-coding transcript variant (1), intron variant (5).
Genome position (GRCh38, 1-based): chrX:38,288,019, A>C on the plus strand (T>G on the coding strand, the complement: RPGR is on the minus strand). VCF-style: chrX-38288019-A-C. GRCh37 (hg19) VCF-style: chrX-38147272-A-C.
Other names: c.1595T>G, p.Leu532Arg (NM_000328.3); c.1592T>G, p.Leu531Arg (NM_001367245.1); c.1409T>G, p.Leu470Arg (NM_001367246.1); c.1569+2940T>G (NM_001367249.1, NM_001367250.1); c.1386+2940T>G (NM_001367251.1); c.1572+2940T>G (NM_001367247.1); c.1602+2940T>G (NM_001367248.1); short protein forms L470R, L531R, L532R.
Identifiers: ClinVar variation 1383950 (VCV001383950.6), dbSNP rs2147203710, ClinGen allele CA412737489.